The following is an entry in ClinVar:

NM_004990.4(MARS1):c.*10G>A

Genes: DDIT3 (DNA damage inducible transcript 3; minus strand), MARS1 (methionyl-tRNA synthetase 1; plus strand). Cytogenetic location: 12q13.3.
Variant type: single nucleotide variant.
Coding change: c.*10G>A on transcript NM_004990.4 (MANE Select); 10 bases downstream of the stop codon, G replaced by A.
Molecular consequence: 3 prime UTR variant.
Genome position (GRCh38, 1-based): chr12:57,516,591, G>A. VCF-style: chr12-57516591-G-A. GRCh37 (hg19) VCF-style: chr12-57910374-G-A.
Other names: c.*218C>T (NM_001195053.1, NM_001195054.1, NM_001195055.1 and 2 more transcripts).
Identifiers: ClinVar variation 4979329 (VCV004979329.1).

ClinVar aggregate classification (germline): Likely benign (1 of 4 stars; one submission).

Conditions:
MARS1-related disorder. Also called: MARS1-related condition.

gnomAD v4.1: 31 of 1,562,912 alleles (0.002%); highest among the groups gnomAD compares: African/African-American, 0.04%; no homozygotes.

Submission:

PreventionGenetics, part of Exact Sciences
Classification: Likely benign for MARS1-related condition. Last evaluated: 2025-02-28. Review status: criteria provided, single submitter. Criteria: ACMG Guidelines, 2015. Collection method: clinical testing. Allele origin: germline.
Comment: This variant is classified as likely benign based on ACMG/AMP sequence variant interpretation guidelines (Richards et al. 2015 PMID: 25741868, with internal and published modifications).